The following is an entry in ClinVar:

ClinVar aggregate classification (germline): Uncertain significance (1 of 4 stars; one submission).

Allele frequency attached by ClinVar (database versions not stated): ExAC 0.00001; gnomAD exomes 0.00001; TOPMed 0.00001; gnomAD 0.00003; 1000 Genomes Project 30x 0.00031; 1000 Genomes Project 0.00060.
gnomAD v4.1: 13 of 1,611,286 alleles (0.00081%); highest among the groups gnomAD compares: African/African-American, 0.004%; no homozygotes.

Submission:

Labcorp Genetics (formerly Invitae), Labcorp
Classification: Uncertain significance. Last evaluated: 2022-09-21. Review status: criteria provided, single submitter. Criteria: Invitae Variant Classification Sherloc (09022015). Collection method: clinical testing. Allele origin: germline.
Comment: This sequence change replaces glutamic acid, which is acidic and polar, with lysine, which is basic and polar, at codon 433 of the MAP3K8 protein (p.Glu433Lys). This variant is present in population databases (rs145710720, gnomAD 0.008%). This variant has not been reported in the literature in individuals affected with MAP3K8-related conditions. Algorithms developed to predict the effect of missense changes on protein structure and function are either unavailable or do not agree on the potential impact of this missense change (SIFT: "Deleterious"; PolyPhen-2: "Probably Damaging"; Align-GVGD: "Class C0"). In summary, the available evidence is currently insufficient to determine the role of this variant in disease. Therefore, it has been classified as a Variant of Uncertain Significance.

NM_005204.4(MAP3K8):c.1297G>A (p.Glu433Lys)

Gene: MAP3K8 (mitogen-activated protein kinase kinase kinase 8; plus strand). Cytogenetic location: 10p11.23.
Variant type: single nucleotide variant.
Coding change: c.1297G>A on transcript NM_005204.4 (MANE Select); coding-DNA position 1297, G replaced by A.
Protein change: p.Glu433Lys; replaces glutamic acid 433 with lysine.
Molecular consequence: missense variant.
Genome position (GRCh38, 1-based): chr10:30,460,729, G>A. VCF-style: chr10-30460729-G-A. GRCh37 (hg19) VCF-style: chr10-30749658-G-A.
Other names: c.1297G>A, p.Glu433Lys (NM_001244134.1, NM_001320961.2); short protein forms E433K.
Identifiers: ClinVar variation 1979969 (VCV001979969.4), dbSNP rs145710720, ClinGen allele CA5459921.